The following is an entry in ClinVar:

ClinVar aggregate classification (germline): Conflicting classifications of pathogenicity. Review status: criteria provided, conflicting classifications (1 of 4 stars). 3 submissions from 3 submitters: Uncertain significance (1); Benign (1); Likely benign (1). Last evaluated 2025-07-18.

Conditions:
Charcot-Marie-Tooth disease axonal type 2O. Also called: CHARCOT-MARIE-TOOTH NEUROPATHY, AXONAL, TYPE 2O; CHARCOT-MARIE-TOOTH DISEASE, AXONAL, AUTOSOMAL DOMINANT, TYPE 2O; Charcot-Marie-Tooth Neuropathy Type 2O; Charcot-Marie-Tooth disease, axonal, type 20. Identifiers: Orphanet 284232, MedGen C3280220, MONDO:0013644, OMIM 614228.

Allele frequency attached by ClinVar (database versions not stated): gnomAD exomes 0.00007 and 0.00004; ExAC 0.00012; gnomAD 0.00003; TOPMed 0.00004.
gnomAD v4.1: 63 of 1,614,090 alleles (0.0039%); highest among the groups gnomAD compares: Non-Finnish European, 0.0053%; no homozygotes.

Submissions (3):

Labcorp Genetics (formerly Invitae), Labcorp
Classification: Likely benign for Charcot-Marie-Tooth disease axonal type 2O. Last evaluated: 2025-07-18. Review status: criteria provided, single submitter. Criteria: Invitae Variant Classification Sherloc (09022015). Collection method: clinical testing. Allele origin: germline.

Athena Diagnostics
Classification: Benign. Last evaluated: 2025-01-23. Review status: criteria provided, single submitter. Criteria: Athena Diagnostics Criteria. Collection method: clinical testing. Allele origin: unknown.
Comment: The frequency of this variant in the general population is higher than would generally be expected for pathogenic variants in this gene. Computational tools yielded predictions that this variant is unlikely to have an effect on normal RNA splicing. This nucleotide position exhibits low evolutionary conservation.

ARUP Laboratories, Molecular Genetics and Genomics, ARUP Laboratories
Classification: Uncertain significance. Last evaluated: 2018-06-12. Review status: criteria provided, single submitter. Criteria: ARUP Molecular Germline Variant Investigation Process. Collection method: clinical testing. Allele origin: germline.
Comment: The DYNC1H1 c.8097A>G; p.Thr2699Thr variant (rs772002773), to our knowledge, is not reported in the medical literature or gene specific databases. This is a synonymous variant in a weakly conserved nucleotide, but computational analyses (Alamut v.2.11) predict that this variant may impact splicing by creating a novel cryptic donor splice site. This variant is found in the general population with an overall allele frequency of 0.006 % (18 / 277246 alleles) in the Genome Aggregation Database. Due to limited information, the clinical significance of the p.Thr2699Thr variant is uncertain at this time.

NM_001376.5(DYNC1H1):c.8097A>G (p.Thr2699=)

Gene: DYNC1H1 (dynein cytoplasmic 1 heavy chain 1; plus strand). Cytogenetic location: 14q32.31.
Variant type: single nucleotide variant.
Coding change: c.8097A>G on transcript NM_001376.5 (MANE Select); coding-DNA position 8097, A replaced by G.
Protein change: p.Thr2699=; no amino-acid change (threonine 2699 retained).
Molecular consequence: synonymous variant.
Genome position (GRCh38, 1-based): chr14:102,017,424, A>G. VCF-style: chr14-102017424-A-G. GRCh37 (hg19) VCF-style: chr14-102483761-A-G.
Identifiers: ClinVar variation 618072 (VCV000618072.20), dbSNP rs772002773, ClinGen allele CA7352933.